The following is an entry in ClinVar:

ClinVar aggregate classification (germline): Uncertain significance (1 of 4 stars; one submission).

Allele frequency attached by ClinVar (database versions not stated): gnomAD exomes below 0.00001; TOPMed below 0.00001.

Submission:

GeneDx
Classification: Uncertain significance. Last evaluated: 2019-11-08. Review status: criteria provided, single submitter. Criteria: GeneDx Variant Classification Process June 2021. Collection method: clinical testing. Allele origin: germline. Affected: yes.
Comment: Not observed in large population cohorts (Lek et al., 2016); In silico analysis, which includes protein predictors and evolutionary conservation, supports that this variant does not alter protein structure/function; Has not been previously published as pathogenic or benign to our knowledge

NM_014795.4(ZEB2):c.1994T>C (p.Met665Thr)

Gene: ZEB2 (zinc finger E-box binding homeobox 2; minus strand). Cytogenetic location: 2q22.3.
Variant type: single nucleotide variant.
Coding change: c.1994T>C on transcript NM_014795.4 (MANE Select); coding-DNA position 1994, T replaced by C.
Protein change: p.Met665Thr; replaces methionine 665 with threonine.
Molecular consequence: missense variant.
Genome position (GRCh38, 1-based): chr2:144,399,193, A>G on the plus strand (T>C on the coding strand, the complement: ZEB2 is on the minus strand). VCF-style: chr2-144399193-A-G. GRCh37 (hg19) VCF-style: chr2-145156760-A-G.
Other names: c.1922T>C, p.Met641Thr (NM_001171653.2); short protein forms M641T, M665T.
Identifiers: ClinVar variation 1309866 (VCV001309866.2), dbSNP rs1703272747, ClinGen allele CA348709361.
Genomic context (GRCh38, chr2:144,399,193, plus strand): 5'-TGAGGAAGGCCCACAGCAATGGAAATTTTCAGCAGTTCATCGGAGTTGGGCTCCATGTTC[A>G]TAGCATAGTATGCTTTGAGTACAGACATGTGGTCCTTGTATGGGTTGATGGGGCTTGTCA-3'
Protein context (NP_055610.1, residues 655-675): HMSVLKAYYA[Met665Thr]NMEPNSDELL